The following is an entry in ClinVar:

NM_000481.4(AMT):c.826G>A (p.Asp276Asn)

Gene: AMT (aminomethyltransferase; minus strand). Cytogenetic location: 3p21.31.
Variant type: single nucleotide variant.
Coding change: c.826G>A on transcript NM_000481.4 (MANE Select); coding-DNA position 826, G replaced by A.
Protein change: p.Asp276Asn; replaces aspartic acid 276 with asparagine.
Molecular consequence: missense variant. On other transcripts: non-coding transcript variant (1).
Genome position (GRCh38, 1-based): chr3:49,419,022, C>T on the plus strand (G>A on the coding strand, the complement: AMT is on the minus strand). VCF-style: chr3-49419022-C-T. GRCh37 (hg19) VCF-style: chr3-49456455-C-T.
Other names: c.694G>A, p.Asp232Asn (NM_001164710.2); c.658G>A, p.Asp220Asn (NM_001164711.2); c.826G>A, p.Asp276Asn (NM_001164712.2); short protein forms D220N, D232N, D276N.
Identifiers: ClinVar variation 2840355 (VCV002840355.5), dbSNP rs121964984, ClinGen allele CA352789766.

ClinVar aggregate classification (germline): Conflicting classifications of pathogenicity. Review status: criteria provided, conflicting classifications (1 of 4 stars). 2 submissions from 2 submitters: Likely pathogenic (1); Uncertain significance (1). Last evaluated 2025-07-02.

Conditions:
Glycine encephalopathy. Also called: Nonketotic hyperglycinemia; Non-ketotic hyperglycinemia. Identifiers: Orphanet 407, MedGen C0751748, MONDO:0011612, HP:0008288.

Submissions (2):

Women's Health and Genetics/Laboratory Corporation of America, LabCorp
Classification: Uncertain significance. Last evaluated: 2025-07-02. Review status: criteria provided, single submitter. Criteria: LabCorp Variant Classification Summary - May 2015. Collection method: clinical testing. Allele origin: germline.
Comment: Variant summary: AMT c.826G>A (p.Asp276Asn) results in a conservative amino acid change in the encoded protein sequence. Algorithms developed to predict the effect of missense changes on protein structure and function are either unavailable or do not agree on the potential impact of this missense change. The variant was absent in 251356 control chromosomes. The available data on variant occurrences in the general population are insufficient to allow any conclusion about variant significance. To our knowledge, no occurrence of c.826G>A in individuals affected with Glycine Encephalopathy (Non-Ketotic Hyperglycinemia) and no experimental evidence demonstrating its impact on protein function have been reported. ClinVar contains an entry for this variant (Variation ID: 2840355). Based on the evidence outlined above, the variant was classified as uncertain significance.

Labcorp Genetics (formerly Invitae), Labcorp
Classification: Likely pathogenic for Glycine encephalopathy. Last evaluated: 2023-02-24. Review status: criteria provided, single submitter. Criteria: Invitae Variant Classification Sherloc (09022015). Collection method: clinical testing. Allele origin: germline.
Comment: This variant disrupts the p.Asp276 amino acid residue in AMT. Other variant(s) that disrupt this residue have been determined to be pathogenic (PMID: 16450403, 25231368, 26179960). This suggests that this residue is clinically significant, and that variants that disrupt this residue are likely to be disease-causing. In summary, the currently available evidence indicates that the variant is pathogenic, but additional data are needed to prove that conclusively. Therefore, this variant has been classified as Likely Pathogenic. Advanced modeling of protein sequence and biophysical properties (such as structural, functional, and spatial information, amino acid conservation, physicochemical variation, residue mobility, and thermodynamic stability) performed at Invitae indicates that this missense variant is expected to disrupt AMT protein function. This variant has not been reported in the literature in individuals affected with AMT-related conditions. This variant is not present in population databases (gnomAD no frequency). This sequence change replaces aspartic acid, which is acidic and polar, with asparagine, which is neutral and polar, at codon 276 of the AMT protein (p.Asp276Asn).

Literature cited by the submitters: PubMed 16450403 (cited by Labcorp Genetics (formerly Invitae), Labcorp); PubMed 25231368 (cited by Labcorp Genetics (formerly Invitae), Labcorp); PubMed 26179960 (cited by Labcorp Genetics (formerly Invitae), Labcorp).